The following is an entry in ClinVar:

NM_005996.4(TBX3):c.674T>G (p.Met225Arg)

Gene: TBX3 (T-box transcription factor 3; minus strand). Cytogenetic location: 12q24.21.
Variant type: single nucleotide variant.
Coding change: c.674T>G on transcript NM_005996.4 (MANE Select); coding-DNA position 674, T replaced by G.
Protein change: p.Met225Arg; replaces methionine 225 with arginine.
Molecular consequence: missense variant.
Genome position (GRCh38, 1-based): chr12:114,679,635, A>C on the plus strand (T>G on the coding strand, the complement: TBX3 is on the minus strand). VCF-style: chr12-114679635-A-C. GRCh37 (hg19) VCF-style: chr12-115117440-A-C.
Other names: c.734T>G, p.Met245Arg (NM_016569.4); short protein forms M245R, M225R.
Identifiers: ClinVar variation 4727102 (VCV004727102.1).

ClinVar aggregate classification (germline): Uncertain significance (1 of 4 stars; one submission).

Conditions:
Ulnar-mammary syndrome (UMS). Also called: SCHINZEL SYNDROME; PALLISTER ULNAR-MAMMARY SYNDROME; Ulnar-mammary syndrome of Pallister. Identifiers: Orphanet 3138, MedGen C1866994, MONDO:0008411, OMIM 181450.

Submission:

Labcorp Genetics (formerly Invitae), Labcorp
Classification: Uncertain significance for Ulnar-mammary syndrome. Last evaluated: 2025-09-13. Review status: criteria provided, single submitter. Criteria: Invitae Variant Classification Sherloc (09022015). Collection method: clinical testing. Allele origin: germline.
Comment: This sequence change replaces methionine, which is neutral and non-polar, with arginine, which is basic and polar, at codon 225 of the TBX3 protein (p.Met225Arg). This variant is not present in population databases (gnomAD no frequency). This variant has not been reported in the literature in individuals affected with TBX3-related conditions. An algorithm developed to predict the effect of missense changes on protein structure and function (PolyPhen-2) suggests that this variant is likely to be disruptive. In summary, the available evidence is currently insufficient to determine the role of this variant in disease. Therefore, it has been classified as a Variant of Uncertain Significance.